The following is an entry in ClinVar:

NM_005045.4(RELN):c.8870G>T (p.Gly2957Val)

Genes: RELN (reelin; minus strand), SLC26A5-AS1 (SLC26A5 antisense RNA 1; plus strand). Cytogenetic location: 7q22.1.
Variant type: single nucleotide variant.
Coding change: c.8870G>T on transcript NM_005045.4 (MANE Select); coding-DNA position 8870, G replaced by T.
Protein change: p.Gly2957Val; replaces glycine 2957 with valine.
Molecular consequence: missense variant.
Genome position (GRCh38, 1-based): chr7:103,497,900, C>A on the plus strand (G>T on the coding strand, the complement: RELN is on the minus strand). VCF-style: chr7-103497900-C-A. GRCh37 (hg19) VCF-style: chr7-103138347-C-A.
Other names: c.8870G>T, p.Gly2957Val (NM_173054.3); short protein forms G2957V.
Identifiers: ClinVar variation 3376579 (VCV003376579.1).

ClinVar aggregate classification (germline): Uncertain significance (1 of 4 stars; one submission).

Conditions:
Familial temporal lobe epilepsy 7. Identifiers: Orphanet 101046, MedGen C4225327, MONDO:0014639, OMIM 616436.

Submission:

Victorian Clinical Genetics Services, Murdoch Childrens Research Institute
Classification: Uncertain significance for Familial temporal lobe epilepsy 7. Last evaluated: 2022-02-02. Review status: criteria provided, single submitter. Criteria: ACMG Guidelines, 2015. Collection method: clinical testing. Allele origin: germline. Inheritance: Autosomal dominant inheritance. Affected: yes.
Comment: Based on the classification scheme VCGS_Germline_v1.3.4, this variant is classified as VUS-3A. Following criteria are met: 0102 - Loss of function is a known mechanism of disease in this gene and is associated with familial temporal lobe epilepsy, 7 (ADTLE; MIM#616436), lissencephaly 2 (Norman-Roberts type) (MIM#257320) and autism spectrum disorder (ASD). The mechanism associated with myoclonus dystonia is currently unknown. Gain of function and dominant negative have also been suggested as mechanisms associated with neuronal migration disorders (Riva et al. bioRxiv). (I) 0108 - This gene is associated with both recessive and dominant disease. This gene is associated with autosomal dominant ADTLE (MIM#616436), ASD and myoclonus dystonia and autosomal recessive lissencephaly 2 (Norman-Roberts type) (MIM#257320). It should be noted, however, that one compound heterozygous ASD individual has been reported (PMID: 28419454). More recently, missense variants in this gene have been reported in individuals with neuronal migration disorders encompassing pachygyria, polymicrogyria and heterotopia (Riva et al. bioRxiv). (I) 0112 - The condition associated with this gene has incomplete penetrance. Incomplete penetrance has been reported for ADTLE and ASD (OMIM, PMID: 26046367, PMID: 27064498). (I) 0200 - Variant is predicted to result in a missense amino acid change from glycine to valine. (I) 0251 - This variant is heterozygous. (I) 0301 - Variant is absent from gnomAD (both v2 and v3). (SP) 0501 - Missense variant consistently predicted to be damaging by multiple in silico tools or highly conserved with a major amino acid change. (SP) 0600 - Variant is located in the annotated C-terminal subrepeat of tandem repeat unit 7 (NCBI conserved domain). (I) 0705 - No comparable missense variants have previous evidence for pathogenicity. (I) 0807 - This variant has no previous evidence of pathogenicity. (I) 0905 - No published segregation evidence has been identified for this variant. (I) 1007 - No published functional evidence has been identified for this variant. (I) 1208 - Inheritance information for this variant is not currently available in this individual. (I) Legend: (SP) - Supporting pathogenic, (I) - Information, (SB) - Supporting benign

Literature cited by the submitters: PubMed 26046367; PubMed 27064498; PubMed 28419454.